The following is an entry in ClinVar:

NM_000748.3(CHRNB2):c.749C>T (p.Ser250Leu)

Gene: CHRNB2 (cholinergic receptor nicotinic beta 2 subunit; plus strand). Cytogenetic location: 1q21.3.
Variant type: single nucleotide variant.
Coding change: c.749C>T on transcript NM_000748.3 (MANE Select); coding-DNA position 749, C replaced by T.
Protein change: p.Ser250Leu; replaces serine 250 with leucine.
Molecular consequence: missense variant.
Genome position (GRCh38, 1-based): chr1:154,571,572, C>T. VCF-style: chr1-154571572-C-T. GRCh37 (hg19) VCF-style: chr1-154544048-C-T.
Other names: short protein forms S250L.
Identifiers: ClinVar variation 4773265 (VCV004773265.1).

ClinVar aggregate classification (germline): Uncertain significance (1 of 4 stars; one submission).

Conditions:
Familial sleep-related hypermotor epilepsy. Also called: Autosomal Dominant Sleep-Related Hypermotor (Hyperkinetic) Epilepsy. Identifiers: Orphanet 98784, MedGen C3696898, MONDO:0000030.

Submission:

Labcorp Genetics (formerly Invitae), Labcorp
Classification: Uncertain significance. Last evaluated: 2025-12-09. Review status: criteria provided, single submitter. Criteria: Invitae Variant Classification Sherloc (09022015). Collection method: clinical testing. Allele origin: germline.
Comment: This sequence change replaces serine, which is neutral and polar, with leucine, which is neutral and non-polar, at codon 250 of the CHRNB2 protein (p.Ser250Leu). This variant is not present in population databases (gnomAD no frequency). This variant has not been reported in the literature in individuals affected with CHRNB2-related conditions. Invitae Evidence Modeling of protein sequence and biophysical properties (such as structural, functional, and spatial information, amino acid conservation, physicochemical variation, residue mobility, and thermodynamic stability) indicates that this missense variant is not expected to disrupt CHRNB2 protein function with a negative predictive value of 80%. In summary, the available evidence is currently insufficient to determine the role of this variant in disease. Therefore, it has been classified as a Variant of Uncertain Significance.